The following is an entry in ClinVar:

ClinVar aggregate classification (germline): Uncertain significance (1 of 4 stars; one submission).

Submission:

GeneDx
Classification: Uncertain significance. Last evaluated: 2025-07-31. Review status: criteria provided, single submitter. Criteria: GeneDx Variant Classification Process June 2021. Collection method: clinical testing. Allele origin: germline.
Comment: In silico analysis suggests that this missense variant does not alter protein structure/function; Has not been previously published as pathogenic or benign to our knowledge

NM_030630.3(HID1):c.916G>A (p.Gly306Ser)

Gene: HID1 (HID1 domain containing; minus strand). Cytogenetic location: 17q25.1.
Variant type: single nucleotide variant.
Coding change: c.916G>A on transcript NM_030630.3 (MANE Select); coding-DNA position 916, G replaced by A.
Protein change: p.Gly306Ser; replaces glycine 306 with serine.
Molecular consequence: missense variant.
Genome position (GRCh38, 1-based): chr17:74,960,061, C>T on the plus strand (G>A on the coding strand, the complement: HID1 is on the minus strand). VCF-style: chr17-74960061-C-T. GRCh37 (hg19) VCF-style: chr17-72956156-C-T.
Other names: short protein forms G306S.
Identifiers: ClinVar variation 3572676 (VCV003572676.2).